The following is an entry in ClinVar:

ClinVar aggregate classification (germline): Likely benign (0 of 4 stars; one submission).

Conditions:
GRIN2D-related disorder. Also called: GRIN2D-related condition.

Submission:

PreventionGenetics, part of Exact Sciences
Classification: Likely benign for GRIN2D-related condition. Last evaluated: 2024-05-02. Review status: no assertion criteria provided. Collection method: clinical testing. Allele origin: germline.
Comment: This variant is classified as likely benign based on ACMG/AMP sequence variant interpretation guidelines (Richards et al. 2015 PMID: 25741868, with internal and published modifications).

NM_000836.4(GRIN2D):c.198G>C (p.Ala66=)

Genes: GRIN2D (glutamate ionotropic receptor NMDA type subunit 2D; plus strand), LOC130064855 (ATAC-STARR-seq lymphoblastoid silent region 10879; plus strand). Cytogenetic location: 19q13.33.
Variant type: single nucleotide variant.
Coding change: c.198G>C on transcript NM_000836.4 (MANE Select); coding-DNA position 198, G replaced by C.
Protein change: p.Ala66=; no amino-acid change (alanine 66 retained).
Molecular consequence: synonymous variant.
Genome position (GRCh38, 1-based): chr19:48,398,590, G>C. VCF-style: chr19-48398590-G-C. GRCh37 (hg19) VCF-style: chr19-48901847-G-C.
Identifiers: ClinVar variation 3032552 (VCV003032552.2), dbSNP rs2516062058, ClinGen allele CA508037535.